The following is an entry in ClinVar:

NM_152564.5(VPS13B):c.8075A>C (p.Gln2692Pro)

Gene: VPS13B (vacuolar protein sorting 13 homolog B; plus strand). Cytogenetic location: 8q22.2.
Variant type: single nucleotide variant.
Coding change: c.8075A>C on transcript NM_152564.5 (MANE Select); coding-DNA position 8075, A replaced by C.
Protein change: p.Gln2692Pro; replaces glutamine 2692 with proline.
Molecular consequence: missense variant.
Genome position (GRCh38, 1-based): chr8:99,809,508, A>C. VCF-style: chr8-99809508-A-C. GRCh37 (hg19) VCF-style: chr8-100821736-A-C.
Other names: c.8150A>C, p.Gln2717Pro (NM_017890.5); short protein forms Q2692P, Q2717P.
Identifiers: ClinVar variation 659387 (VCV000659387.8), dbSNP rs1588732177, ClinGen allele CA371770204.

ClinVar aggregate classification (germline): Uncertain significance (1 of 4 stars; one submission).

Conditions:
Cohen syndrome (COH1). Also called: PEPPER SYNDROME; Cutis verticis gyrata, retinitis pigmentosa, and sensorineural deafness. Identifiers: Orphanet 193, MedGen C0265223, MONDO:0008999, OMIM 216550.

Allele frequency attached by ClinVar (database versions not stated): gnomAD exomes below 0.00001.
gnomAD v4.1: 1 of 1,614,090 alleles (0.000062%); highest among the groups gnomAD compares: African/African-American, 0.0013%; no homozygotes.

Submission:

Labcorp Genetics (formerly Invitae), Labcorp
Classification: Uncertain significance for Cohen syndrome. Last evaluated: 2022-10-24. Review status: criteria provided, single submitter. Criteria: Invitae Variant Classification Sherloc (09022015). Collection method: clinical testing. Allele origin: germline.
Comment: In summary, the available evidence is currently insufficient to determine the role of this variant in disease. Therefore, it has been classified as a Variant of Uncertain Significance. Advanced modeling of protein sequence and biophysical properties (such as structural, functional, and spatial information, amino acid conservation, physicochemical variation, residue mobility, and thermodynamic stability) performed at Invitae indicates that this missense variant is not expected to disrupt VPS13B protein function. ClinVar contains an entry for this variant (Variation ID: 659387). This variant has not been reported in the literature in individuals affected with VPS13B-related conditions. This variant is not present in population databases (gnomAD no frequency). This sequence change replaces glutamine, which is neutral and polar, with proline, which is neutral and non-polar, at codon 2717 of the VPS13B protein (p.Gln2717Pro).